The following is an entry in ClinVar:

NM_000038.6(APC):c.4881A>C (p.Gln1627His)

Gene: APC (APC regulator of Wnt signaling pathway; plus strand). Cytogenetic location: 5q22.2.
Variant type: single nucleotide variant.
Coding change: c.4881A>C on transcript NM_000038.6 (MANE Select); coding-DNA position 4881, A replaced by C.
Protein change: p.Gln1627His; replaces glutamine 1627 with histidine.
Molecular consequence: missense variant.
Genome position (GRCh38, 1-based): chr5:112,840,475, A>C. VCF-style: chr5-112840475-A-C. GRCh37 (hg19) VCF-style: chr5-112176172-A-C.
Other names: c.4881A>C, p.Gln1627His (NM_001127510.3, NM_001354895.2); c.4827A>C, p.Gln1609His (NM_001127511.3); c.4935A>C, p.Gln1645His (NM_001354896.2); c.4911A>C, p.Gln1637His (NM_001354897.2); c.4806A>C, p.Gln1602His (NM_001354898.2); c.4797A>C, p.Gln1599His (NM_001354899.2); c.4758A>C, p.Gln1586His (NM_001354900.2); c.4704A>C, p.Gln1568His (NM_001354901.2); and 5 more; short protein forms Q1344H, Q1536H, Q1609H, Q1645H, Q1467H, Q1599H, Q1637H, Q1602H.
Identifiers: ClinVar variation 920204 (VCV000920204.3), dbSNP rs1765794115, ClinGen allele CA16032026.

ClinVar aggregate classification (germline): Uncertain significance (1 of 4 stars; one submission).

Conditions:
Hereditary cancer-predisposing syndrome. Also called: Neoplastic Syndromes, Hereditary; Tumor predisposition; Hereditary Cancer Syndrome; Hereditary neoplastic syndrome. Identifiers: Orphanet 140162, MedGen C0027672, MeSH D009386, MONDO:0015356.

Submission:

Color Diagnostics, LLC DBA Color Health
Classification: Uncertain significance for Hereditary cancer-predisposing syndrome. Last evaluated: 2020-04-27. Review status: criteria provided, single submitter. Criteria: ACMG Guidelines, 2015. Collection method: clinical testing. Allele origin: germline.
Comment: This missense variant replaces glutamine with histidine at codon 1627 of the APC protein. Computational prediction is inconclusive regarding the impact of this variant on protein structure and function (internally defined REVEL score threshold 0.5 < inconclusive < 0.7, PMID: 27666373). To our knowledge, functional studies have not been reported for this variant. This variant has not been reported in individuals affected with hereditary cancer in the literature. This variant has not been identified in the general population by the Genome Aggregation Database (gnomAD). The available evidence is insufficient to determine the role of this variant in disease conclusively. Therefore, this variant is classified as a Variant of Uncertain Significance.